The following is an entry in ClinVar:

ClinVar aggregate classification (germline): Uncertain significance. Review status: criteria provided, multiple submitters, no conflicts (2 of 4 stars). 3 submissions from 3 submitters: Uncertain significance (3). Last evaluated 2024-10-03.

Allele frequency attached by ClinVar (database versions not stated): TOPMed below 0.00001; gnomAD 0.00003; ExAC 0.00004; gnomAD exomes 0.00004.
gnomAD v4.1: 27 of 1,612,228 alleles (0.0017%); highest among the groups gnomAD compares: South Asian, 0.024%; no homozygotes.

Submissions (3):

GeneDx
Classification: Uncertain significance. Last evaluated: 2024-10-03. Review status: criteria provided, single submitter. Criteria: GeneDx Variant Classification Process June 2021. Collection method: clinical testing. Allele origin: germline. Affected: yes.
Comment: In silico analysis supports that this missense variant has a deleterious effect on protein structure/function; Has not been previously published as pathogenic or benign to our knowledge

Labcorp Genetics (formerly Invitae), Labcorp
Classification: Uncertain significance. Last evaluated: 2023-09-22. Review status: criteria provided, single submitter. Criteria: Invitae Variant Classification Sherloc (09022015). Collection method: clinical testing. Allele origin: germline.
Comment: Advanced modeling of protein sequence and biophysical properties (such as structural, functional, and spatial information, amino acid conservation, physicochemical variation, residue mobility, and thermodynamic stability) performed at Invitae indicates that this missense variant is expected to disrupt SAMD9L protein function. This variant has not been reported in the literature in individuals affected with SAMD9L-related conditions. This variant is present in population databases (rs745668698, gnomAD 0.04%). This sequence change replaces alanine, which is neutral and non-polar, with threonine, which is neutral and polar, at codon 1337 of the SAMD9L protein (p.Ala1337Thr). In summary, the available evidence is currently insufficient to determine the role of this variant in disease. Therefore, it has been classified as a Variant of Uncertain Significance.

Genetic Services Laboratory, University of Chicago
Classification: Uncertain significance. Last evaluated: 2023-03-10. Review status: criteria provided, single submitter. Criteria: ACMG Guidelines, 2015. Collection method: clinical testing. Allele origin: germline. Affected: no.
Comment: DNA sequence analysis of the SAMD9L gene demonstrated a sequence change, c.4009G>A, in exon 5 that results in an amino acid change, p.Ala1337Thr. This sequence change does not appear to have been previously described in individuals with SAMD9L-related disorders. This sequence change has been described in the gnomAD database with a frequency of 0.03% in the South Asian subpopulation (dbSNP rs745668698). The p.Ala1337Thr change affects a highly conserved amino acid residue located in a domain of the SAMD9L protein that is not known to be functional. In-silico pathogenicity prediction tools (SIFT, PolyPhen2, Align GVGD, REVEL) provide contradictory results for the p.Ala1337Thr substitution. Due to insufficient evidences and the lack of functional studies, the clinical significance of the p.Ala1337Thr change remains unknown at this time.

NM_152703.5(SAMD9L):c.4009G>A (p.Ala1337Thr)

Gene: SAMD9L (sterile alpha motif domain containing 9 like; minus strand). Cytogenetic location: 7q21.2.
Variant type: single nucleotide variant.
Coding change: c.4009G>A on transcript NM_152703.5 (MANE Select); coding-DNA position 4009, G replaced by A.
Protein change: p.Ala1337Thr; replaces alanine 1337 with threonine.
Molecular consequence: missense variant.
Genome position (GRCh38, 1-based): chr7:93,131,963, C>T on the plus strand (G>A on the coding strand, the complement: SAMD9L is on the minus strand). VCF-style: chr7-93131963-C-T. GRCh37 (hg19) VCF-style: chr7-92761276-C-T.
Other names: c.4009G>A, p.Ala1337Thr (NM_001303496.3, NM_001303497.3, NM_001303498.3 and 5 more transcripts); c.4009G>A (NM_152703.3, NM_152703.4); short protein forms A1337T.
Identifiers: ClinVar variation 2973411 (VCV002973411.6), dbSNP rs745668698, ClinGen allele CA4343373.